The following is an entry in ClinVar:

NM_001105206.3(LAMA4):c.521A>G (p.Tyr174Cys)

Gene: LAMA4 (laminin subunit alpha 4; minus strand). Cytogenetic location: 6q21.
Variant type: single nucleotide variant.
Coding change: c.521A>G on transcript NM_001105206.3 (MANE Select); coding-DNA position 521, A replaced by G.
Protein change: p.Tyr174Cys; replaces tyrosine 174 with cysteine.
Molecular consequence: missense variant.
Genome position (GRCh38, 1-based): chr6:112,191,833, T>C on the plus strand (A>G on the coding strand, the complement: LAMA4 is on the minus strand). VCF-style: chr6-112191833-T-C. GRCh37 (hg19) VCF-style: chr6-112513035-T-C.
Other names: p.Y174C:TAT>TGT; c.521A>G, p.Tyr174Cys (NM_001105207.3, NM_002290.5); short protein forms Y174C.
Identifiers: ClinVar variation 44403 (VCV000044403.20), dbSNP rs202131320, ClinGen allele CA237282.

ClinVar aggregate classification (germline): Uncertain significance. Review status: criteria provided, multiple submitters, no conflicts (2 of 4 stars). 6 submissions from 6 submitters: Uncertain significance (6). Last evaluated 2025-12-09.

Conditions:
LAMA4-related disorder. Also called: LAMA4-related condition.
Dilated cardiomyopathy 1JJ (CMD1JJ). Identifiers: Orphanet 154, MedGen C3808935, MONDO:0014095, OMIM 615235.

Allele frequency attached by ClinVar (database versions not stated): gnomAD exomes 0.00006 and 0.00019; gnomAD 0.00011 and 0.00012; ExAC 0.00006; TOPMed 0.00011.

Submissions (6):

Labcorp Genetics (formerly Invitae), Labcorp
Classification: Uncertain significance for Dilated cardiomyopathy 1JJ. Last evaluated: 2025-12-09. Review status: criteria provided, single submitter. Criteria: Invitae Variant Classification Sherloc (09022015). Collection method: clinical testing. Allele origin: germline.
Comment: This sequence change replaces tyrosine, which is neutral and polar, with cysteine, which is neutral and slightly polar, at codon 174 of the LAMA4 protein (p.Tyr174Cys). This variant is present in population databases (rs202131320, gnomAD 0.01%). This missense change has been observed in individual(s) with dilated cardiomyopathy (PMID: 31983221). ClinVar contains an entry for this variant (Variation ID: 44403). Invitae Evidence Modeling of protein sequence and biophysical properties (such as structural, functional, and spatial information, amino acid conservation, physicochemical variation, residue mobility, and thermodynamic stability) indicates that this missense variant is expected to disrupt LAMA4 protein function with a positive predictive value of 80%. In summary, the available evidence is currently insufficient to determine the role of this variant in disease. Therefore, it has been classified as a Variant of Uncertain Significance.

GeneDx
Classification: Uncertain significance. Last evaluated: 2024-02-28. Review status: criteria provided, single submitter. Criteria: GeneDx Variant Classification Process June 2021. Collection method: clinical testing. Allele origin: germline. Affected: yes.
Comment: Identified in a patient with DCM and an individual from a healthy control population in the published literature (PMID: 31983221); In silico analysis supports that this missense variant has a deleterious effect on protein structure/function; This variant is associated with the following publications: (PMID: 31983221)

PreventionGenetics, part of Exact Sciences
Classification: Uncertain significance for LAMA4-related condition. Last evaluated: 2023-07-13. Review status: criteria provided, single submitter. Criteria: ACMG Guidelines, 2015. Collection method: clinical testing. Allele origin: germline.
Comment: The LAMA4 c.521A>G variant is predicted to result in the amino acid substitution p.Tyr174Cys. This variant was reported in both affected and control individuals in a dilated cardiomyopathy cohort (Tables S3 and S4, Mazzarotto et al. 2020. PubMed ID: 31983221). This variant is reported in 0.014% of alleles in individuals of European (Non-Finnish) descent in gnomAD. At this time, the clinical significance of this variant is uncertain due to the absence of conclusive functional and genetic evidence.

Fulgent Genetics
Classification: Uncertain significance for Dilated cardiomyopathy 1JJ. Last evaluated: 2021-12-20. Review status: criteria provided, single submitter. Criteria: ACMG Guidelines, 2015. Collection method: clinical testing. Allele origin: unknown.

Biesecker Lab/Clinical Genomics Section, National Institutes of Health
Classification: Uncertain significance. Last evaluated: 2013-06-24. Review status: criteria provided, single submitter. Criteria: Ng et al. (Circ Cardiovasc Genet. 2013). Collection method: research. Allele origin: unknown. Observed: 1 variant allele. Study: ClinSeq.
Comment: The study set was not selected for affection status in relation to any cancer. Pathogenicity categories were based on literature curation. See Pubmed ID:23861362 for details.

Medical sequencing

Laboratory for Molecular Medicine, Mass General Brigham Personalized Medicine
Classification: Uncertain significance. Last evaluated: 2013-02-27. Review status: criteria provided, single submitter. Criteria: LMM Criteria. Collection method: clinical testing. Allele origin: germline. Observed: 2 variant alleles.
Comment: This variant has also been ident ified in 1/1315 chromosomes from a clinically and racially unspecified populatio n (dbSNP rs202131320). Computational analyses (biochemical amino acid properties , conservation, AlignGVGD, PolyPhen2, and SIFT) do not provide strong support fo r or against an impact to the protein. Additional information is needed to fully assess the clinical significance of the Tyr174Cys variant.

Literature cited by the submitters: PubMed 31983221 (cited by Labcorp Genetics (formerly Invitae), Labcorp).